The following is an entry in ClinVar:

ClinVar aggregate classification (germline): Conflicting classifications of pathogenicity. Review status: criteria provided, conflicting classifications (1 of 4 stars). 4 submissions from 4 submitters: Uncertain significance (3); Likely benign (1). Last evaluated 2025-08-02.

Conditions:
Cornelia de Lange syndrome 1 (CDLS1). Also called: Brachmann de Lange syndrome; NIPBL-Related Cornelia de Lange Syndrome; TYPUS DEGENERATIVUS AMSTELODAMENSIS. Identifiers: Orphanet 199, MedGen C4551851, MONDO:0007387, OMIM 122470.
NIPBL-related disorder. Also called: NIPBL-related condition.
Inborn genetic diseases. Identifiers: MedGen C0950123, MeSH D030342.

Allele frequency attached by ClinVar (database versions not stated): ExAC 0.00001; gnomAD exomes 0.00001; TOPMed 0.00002; gnomAD 0.00003.
gnomAD v4.1: 17 of 1,611,428 alleles (0.0011%); highest among the groups gnomAD compares: Non-Finnish European, 0.0013%; no homozygotes.

Submissions (4):

Ambry Genetics
Classification: Likely benign for Inborn genetic diseases. Last evaluated: 2025-08-02. Review status: criteria provided, single submitter. Criteria: Ambry Variant Classification Scheme 2023. Collection method: clinical testing. Allele origin: germline.

PreventionGenetics, part of Exact Sciences
Classification: Uncertain significance for NIPBL-related condition. Last evaluated: 2023-08-16. Review status: criteria provided, single submitter. Criteria: ACMG Guidelines, 2015. Collection method: clinical testing. Allele origin: germline.
Comment: The NIPBL c.4204G>C variant is predicted to result in the amino acid substitution p.Glu1402Gln. To our knowledge, this variant has not been reported in the literature. This variant is reported in 0.0023% of alleles in individuals of European (Non-Finnish) descent in gnomAD. At this time, the clinical significance of this variant is uncertain due to the absence of conclusive functional and genetic evidence.

Labcorp Genetics (formerly Invitae), Labcorp
Classification: Uncertain significance for Cornelia de Lange syndrome 1. Last evaluated: 2022-05-04. Review status: criteria provided, single submitter. Criteria: Invitae Variant Classification Sherloc (09022015). Collection method: clinical testing. Allele origin: germline.
Comment: ClinVar contains an entry for this variant (Variation ID: 904235). This variant has not been reported in the literature in individuals affected with NIPBL-related conditions. This variant is present in population databases (rs61755039, gnomAD 0.002%). This sequence change replaces glutamic acid, which is acidic and polar, with glutamine, which is neutral and polar, at codon 1402 of the NIPBL protein (p.Glu1402Gln). Advanced modeling of protein sequence and biophysical properties (such as structural, functional, and spatial information, amino acid conservation, physicochemical variation, residue mobility, and thermodynamic stability) performed at Invitae indicates that this missense variant is expected to disrupt NIPBL protein function. In summary, the available evidence is currently insufficient to determine the role of this variant in disease. Therefore, it has been classified as a Variant of Uncertain Significance.

Illumina Laboratory Services, Illumina
Classification: Uncertain significance for Cornelia de Lange syndrome 1. Last evaluated: 2018-01-12. Review status: criteria provided, single submitter. Criteria: ICSL Variant Classification Criteria 13 December 2019. Collection method: clinical testing. Allele origin: germline.

NM_133433.4(NIPBL):c.4204G>C (p.Glu1402Gln)

Gene: NIPBL (NIPBL cohesin loading factor; plus strand). Cytogenetic location: 5p13.2.
Variant type: single nucleotide variant.
Coding change: c.4204G>C on transcript NM_133433.4 (MANE Select); coding-DNA position 4204, G replaced by C.
Protein change: p.Glu1402Gln; replaces glutamic acid 1402 with glutamine.
Molecular consequence: missense variant.
Genome position (GRCh38, 1-based): chr5:37,007,439, G>C. VCF-style: chr5-37007439-G-C. GRCh37 (hg19) VCF-style: chr5-37007541-G-C.
Other names: c.4204G>C, p.Glu1402Gln (NM_015384.5); short protein forms E1402Q.
Identifiers: ClinVar variation 904235 (VCV000904235.10), dbSNP rs61755039, ClinGen allele CA3236504.
Genomic context (GRCh38, chr5:37,007,439, plus strand): 5'-GTAATAGTAATGCTTTATAACAAAGTTTGTGACATTGTTAGCAGCTTATCAGAATTGCTA[G>C]AGATACAACTTCTTACAGACACAACAATTCTTCAGGTAAGATTTTTTGGTAAGCATTTTG-3'
Protein context (NP_597677.2, residues 1392-1412): DIVSSLSELL[Glu1402Gln]IQLLTDTTIL